The following is an entry in ClinVar:

ClinVar aggregate classification (germline): Conflicting classifications of pathogenicity. Review status: criteria provided, conflicting classifications (1 of 4 stars). 4 submissions from 4 submitters: Uncertain significance (3); Likely benign (1). Last evaluated 2026-03-02.

Conditions:
Ehlers-Danlos syndrome, classic type, 1 (EDSCL1). Also called: Ehlers-Danlos Syndrome, Classic Type, COL5A1-Related; EDS I; Ehlers-Danlos syndrome, type 1; EHLERS-DANLOS SYNDROME, GRAVIS TYPE; EHLERS-DANLOS SYNDROME, SEVERE CLASSIC TYPE. Identifiers: MedGen C0268335, MONDO:0019567, OMIM 130000.
Familial thoracic aortic aneurysm and aortic dissection (TAAD). Also called: Thoracic aortic aneurysms and dissections. Identifiers: Orphanet 91387, MedGen C4707243, MONDO:0019625.

Allele frequency attached by ClinVar (database versions not stated): gnomAD 0.00001 and 0.00002; TOPMed 0.00002; gnomAD exomes 0.00003.
gnomAD v4.1: 20 of 1,551,470 alleles (0.0013%); highest among the groups gnomAD compares: Admixed American, 0.012%; 1 homozygote.

Submissions (4):

Women's Health and Genetics/Laboratory Corporation of America, LabCorp
Classification: Uncertain significance. Last evaluated: 2026-03-02. Review status: criteria provided, single submitter. Criteria: LabCorp Variant Classification Summary - May 2015. Collection method: clinical testing. Allele origin: germline.

Labcorp Genetics (formerly Invitae), Labcorp
Classification: Likely benign for Ehlers-Danlos syndrome, classic type, 1. Last evaluated: 2025-08-04. Review status: criteria provided, single submitter. Criteria: Invitae Variant Classification Sherloc (09022015). Collection method: clinical testing. Allele origin: germline.

Ambry Genetics
Classification: Uncertain significance for Familial thoracic aortic aneurysm and aortic dissection. Last evaluated: 2024-06-14. Review status: criteria provided, single submitter. Criteria: Ambry Variant Classification Scheme 2023. Collection method: clinical testing. Allele origin: germline.
Comment: The p.G1008S variant (also known as c.3022G>A), located in coding exon 43 of the COL5A2 gene, results from a G to A substitution at nucleotide position 3022. The glycine at codon 1008 is replaced by serine, an amino acid with similar properties. Internal structural analysis indicates that this alteration disrupts the characteristic G-X-Y motif of the triple helical domain in the COL5A2 protein and inserts a bulky side chain into a sterically-constrained region (Bella J et al.Science.1994;266:75-81; Hohenester E et al.Proc. Natl.Acad. Sci.U.S.A.2008;105:18273-7; Ambry internal data). Glycine substitutions in the triple helical domain of COL5A2 have been reported in association with classic Ehlers-Danlos syndrome (cEDS), but the number of affected individuals is limited and several other COL5A2 glycine substitutions in the triple helical domain (e.g., p.G951E and p.G831A) are too common for disease in population databases (Symoens S et al.Hum. Mutat., 2012 Oct;33:1485-93; Ritelli M et al.Orphanet J Rare Dis.2013 Apr;8:58). This amino acid position is highly conserved in available vertebrate species. In addition, this alteration is predicted to be deleterious by in silico analysis. Based on the available evidence, the clinical significance of this variant remains unclear.

GeneDx
Classification: Uncertain significance. Last evaluated: 2023-05-07. Review status: criteria provided, single submitter. Criteria: GeneDx Variant Classification Process June 2021. Collection method: clinical testing. Allele origin: germline. Affected: yes.
Comment: Has not been previously published as pathogenic or benign to our knowledge; In silico analysis supports that this missense variant has a deleterious effect on protein structure/function; This variant is associated with the following publications: (PMID: 22696272)

NM_000393.5(COL5A2):c.3022G>A (p.Gly1008Ser)

Gene: COL5A2 (collagen type V alpha 2 chain; minus strand). Cytogenetic location: 2q32.2.
Variant type: single nucleotide variant.
Coding change: c.3022G>A on transcript NM_000393.5 (MANE Select); coding-DNA position 3022, G replaced by A.
Protein change: p.Gly1008Ser; replaces glycine 1008 with serine.
Molecular consequence: missense variant.
Genome position (GRCh38, 1-based): chr2:189,050,586, C>T on the plus strand (G>A on the coding strand, the complement: COL5A2 is on the minus strand). VCF-style: chr2-189050586-C-T. GRCh37 (hg19) VCF-style: chr2-189915312-C-T.
Other names: short protein forms G1008S.
Identifiers: ClinVar variation 529268 (VCV000529268.11), dbSNP rs909634945, ClinGen allele CA62595017.